The following is an entry in ClinVar:

ClinVar aggregate classification (germline): Uncertain significance. Review status: criteria provided, multiple submitters, no conflicts (2 of 4 stars). 3 submissions from 3 submitters: Uncertain significance (3). Last evaluated 2025-06-08.

Conditions:
Inborn genetic diseases. Identifiers: MedGen C0950123, MeSH D030342.

Allele frequency attached by ClinVar (database versions not stated): ExAC 0.00006.
gnomAD v4.1: 38 of 1,550,198 alleles (0.0025%); highest among the groups gnomAD compares: South Asian, 0.027%; 1 homozygote.

Submissions (3):

Ambry Genetics
Classification: Uncertain significance for Inborn genetic diseases. Last evaluated: 2025-06-08. Review status: criteria provided, single submitter. Criteria: Ambry Variant Classification Scheme 2023. Collection method: clinical testing. Allele origin: germline.

Women's Health and Genetics/Laboratory Corporation of America, LabCorp
Classification: Uncertain significance. Last evaluated: 2025-01-02. Review status: criteria provided, single submitter. Criteria: LabCorp Variant Classification Summary - May 2015. Collection method: clinical testing. Allele origin: germline.
Comment: Variant summary: WDR81 c.1903C>T (p.Arg635Trp) results in a non-conservative amino acid change in the encoded protein sequence. Two of three in-silico tools predict a damaging effect of the variant on protein function. The variant allele was found at a frequency of 2.4e-05 in 1543272 control chromosomes, predominantly at a frequency of 0.00027 within the South Asian subpopulation in the gnomAD database (v4.1 dataset), including 1 homozygote. To our knowledge, no occurrence of c.1903C>T in individuals affected with Cerebellar Ataxia, Intellectual Disability, And Dysequilibrium Syndrome 2 and no experimental evidence demonstrating its impact on protein function have been reported. ClinVar contains an entry for this variant (Variation ID: 634454). Based on the evidence outlined above, the variant was classified as uncertain significance.

Genomic Research Center, Shahid Beheshti University of Medical Sciences
Classification: Uncertain significance. Last evaluated: 2019-01-01. Review status: criteria provided, single submitter. Criteria: ACMG Guidelines, 2015. Collection method: clinical testing. Allele origin: unknown. Affected: yes.

NM_001163809.2(WDR81):c.1903C>T (p.Arg635Trp)

Gene: WDR81 (WD repeat domain 81; plus strand). Cytogenetic location: 17p13.3.
Variant type: single nucleotide variant.
Coding change: c.1903C>T on transcript NM_001163809.2 (MANE Select); coding-DNA position 1903, C replaced by T.
Protein change: p.Arg635Trp; replaces arginine 635 with tryptophan.
Molecular consequence: missense variant. On other transcripts: intron variant (3).
Genome position (GRCh38, 1-based): chr17:1,726,862, C>T. VCF-style: chr17-1726862-C-T. GRCh37 (hg19) VCF-style: chr17-1630156-C-T.
Other names: c.-123-1128C>T (NM_152348.4); c.59-3518C>T (NM_001163673.2); c.-15+2076C>T (NM_001163811.2); short protein forms R635W.
Identifiers: ClinVar variation 634454 (VCV000634454.6), dbSNP rs759326308, ClinGen allele CA8273083.